The following is an entry in ClinVar:

NM_020778.5(ALPK3):c.293G>A (p.Cys98Tyr)

Gene: ALPK3 (alpha kinase 3; plus strand). Cytogenetic location: 15q25.3.
Variant type: single nucleotide variant.
Coding change: c.293G>A on transcript NM_020778.5 (MANE Select); coding-DNA position 293, G replaced by A.
Protein change: p.Cys98Tyr; replaces cysteine 98 with tyrosine.
Molecular consequence: missense variant.
Genome position (GRCh38, 1-based): chr15:84,827,594, G>A. VCF-style: chr15-84827594-G-A. GRCh37 (hg19) VCF-style: chr15-85370825-G-A.
Other names: short protein forms C98Y.
Identifiers: ClinVar variation 2625933 (VCV002625933.2), dbSNP rs2505697297, ClinGen allele CA393371167.
Genomic context (GRCh38, chr15:84,827,594, plus strand): 5'-TATTTGAGACCACGCTCAAGTCCCGGTCTGTGTCCGAGGACAGCGACGTCAGGTTCACCT[G>A]CATCGTCACAGGTAAGGATGCTGTCTGTATGCTCCATGCCAGGGCCTCTGCACAGAGCAG-3'
Protein context (NP_065829.4, residues 88-108): VSEDSDVRFT[Cys98Tyr]IVTGYPEPEV

ClinVar aggregate classification (germline): Uncertain significance (1 of 4 stars; one submission).

Conditions:
Cardiovascular phenotype. Identifiers: MedGen CN230736.

Submission:

Ambry Genetics
Classification: Uncertain significance for Cardiovascular phenotype. Last evaluated: 2023-09-14. Review status: criteria provided, single submitter. Criteria: Ambry Variant Classification Scheme 2023. Collection method: clinical testing. Allele origin: germline.
Comment: The p.C300Y variant (also known as c.899G>A), located in coding exon 3 of the ALPK3 gene, results from a G to A substitution at nucleotide position 899. The cysteine at codon 300 is replaced by tyrosine, an amino acid with highly dissimilar properties. This amino acid position is conserved. In addition, this alteration is predicted to be deleterious by in silico analysis. Since supporting evidence is limited at this time, the clinical significance of this alteration remains unclear.